The following is an entry in ClinVar:

NM_000157.4(GBA1):c.800G>A (p.Trp267Ter)

Genes: GBA1 (glucosylceramidase beta 1; minus strand), LOC106627981 (GBA recombination region; plus strand). Cytogenetic location: 1q22.
Variant type: single nucleotide variant.
Coding change: c.800G>A on transcript NM_000157.4 (MANE Select); coding-DNA position 800, G replaced by A.
Protein change: p.Trp267Ter; replaces tryptophan 267 with a stop codon.
Molecular consequence: nonsense.
Genome position (GRCh38, 1-based): chr1:155,237,540, C>T on the plus strand (G>A on the coding strand, the complement: GBA1 is on the minus strand). VCF-style: chr1-155237540-C-T. GRCh37 (hg19) VCF-style: chr1-155207331-C-T.
Other names: c.653G>A, p.Trp218Ter (NM_001171812.2); c.800G>A, p.Trp267Ter (NM_001005741.3, NM_001005742.3); c.539G>A, p.Trp180Ter (NM_001171811.2); short protein forms W180*, W218*, W267*.
Identifiers: ClinVar variation 4817812 (VCV004817812.1).
Genomic context (GRCh38, chr1:155,237,540, plus strand): 5'-CACTGGAAGGGGTATCCACTCAACAGCCCAGCAGAAGGCTCATTTTCAGCTGTCACTGCC[C>T]AGAACTGTAACTTGTGCTCAGCATAGGCATCCAGGAACCTGGCAAGAGAAAGGTCATGAA-3'

ClinVar aggregate classification (germline): Likely pathogenic (1 of 4 stars; one submission).

Conditions:
Gaucher disease. Also called: Acute cerebral Gaucher disease; Cerebroside lipidosis syndrome; Gaucher splenomegaly; Sphingolipidosis 1; Glucocerebrosidosis; Glucosylceramidase deficiency. Identifiers: Orphanet 355, MedGen C0017205, MONDO:0018150.

Submission:

Natera, Inc.
Classification: Likely pathogenic for Gaucher disease. Last evaluated: 2025-03-14. Review status: criteria provided, single submitter. Criteria: Natera Variant Classification Schema (03/2026). Collection method: clinical testing. Allele origin: germline.
Comment: The c.800G>A variant in GBA1 is a nonsense variant predicted to introduce a stop codon at amino acid 267. This variant is expected to result in nonsense mediated decay, truncation, or a dysfunctional protein product. This variant is rare in the general population with a frequency below the threshold expected for the associated phenotype(s). Given the available evidence, this variant is classified as Likely Pathogenic.